The following is an entry in ClinVar:

NM_032444.4(SLX4):c.1029del (p.Thr345fs)

Gene: SLX4 (SLX4 structure-specific endonuclease subunit; minus strand). Cytogenetic location: 16p13.3.
Variant type: Deletion.
Coding change: c.1029del on transcript NM_032444.4 (MANE Select); coding-DNA position 1029, one base deleted (T; older notation c.1029delT).
Protein change: p.Thr345fs; shifts the reading frame from threonine 345.
Molecular consequence: frameshift variant.
Genome position (GRCh38, 1-based): chr16:3,601,113, A deleted on the plus strand (T on the coding strand, the reverse complement: SLX4 is on the minus strand); the first of 3 consecutive A bases (chr16:3,601,113-3,601,115); deleting any one gives the same sequence. VCF-style (leftmost placement, unchanged base first): chr16-3601112-GA-G. GRCh37 (hg19) VCF-style: chr16-3651113-GA-G.
Other names: short protein forms T345fs.
Identifiers: ClinVar variation 2987518 (VCV002987518.3), dbSNP rs2548221544, ClinGen allele CA2740093244.

ClinVar aggregate classification (germline): Pathogenic (1 of 4 stars; one submission).

Conditions:
Fanconi anemia (FA). Also called: Fanconi's anemia. Identifiers: Orphanet 84, MedGen C0015625, MeSH D005199, MONDO:0019391.

Submission:

Labcorp Genetics (formerly Invitae), Labcorp
Classification: Pathogenic for Fanconi anemia. Last evaluated: 2025-04-07. Review status: criteria provided, single submitter. Criteria: Invitae Variant Classification Sherloc (09022015). Collection method: clinical testing. Allele origin: germline.
Comment: This sequence change creates a premature translational stop signal (p.Thr345Profs*2) in the SLX4 gene. It is expected to result in an absent or disrupted protein product. Loss-of-function variants in SLX4 are known to be pathogenic (PMID: 21240277). This variant is not present in population databases (gnomAD no frequency). This variant has not been reported in the literature in individuals affected with SLX4-related conditions. ClinVar contains an entry for this variant (Variation ID: 2987518). For these reasons, this variant has been classified as Pathogenic.

Literature cited by the submitters: PubMed 21240277.